The following is an entry in ClinVar:

ClinVar aggregate classification (germline): Uncertain significance (1 of 4 stars; one submission).

Conditions:
Periodic fever-infantile enterocolitis-autoinflammatory syndrome. Also called: Autoinflammation with infantile enterocolitis. Identifiers: Orphanet 436166, MedGen C4015067, MONDO:0014472, OMIM 616050.
Familial cold autoinflammatory syndrome 4 (FCAS4). Identifiers: Orphanet 47045, Orphanet 576349, MedGen C4015276, MONDO:0014498, OMIM 616115.

Submission:

Labcorp Genetics (formerly Invitae), Labcorp
Classification: Uncertain significance for Periodic fever-infantile enterocolitis-autoinflammatory syndrome; Familial cold autoinflammatory syndrome 4. Last evaluated: 2024-04-01. Review status: criteria provided, single submitter. Criteria: Invitae Variant Classification Sherloc (09022015). Collection method: clinical testing. Allele origin: germline.
Comment: This sequence change replaces valine, which is neutral and non-polar, with alanine, which is neutral and non-polar, at codon 555 of the NLRC4 protein (p.Val555Ala). This variant is not present in population databases (gnomAD no frequency). This variant has not been reported in the literature in individuals affected with NLRC4-related conditions. ClinVar contains an entry for this variant (Variation ID: 2089975). Advanced modeling of protein sequence and biophysical properties (such as structural, functional, and spatial information, amino acid conservation, physicochemical variation, residue mobility, and thermodynamic stability) performed at Invitae indicates that this missense variant is not expected to disrupt NLRC4 protein function with a negative predictive value of 80%. In summary, the available evidence is currently insufficient to determine the role of this variant in disease. Therefore, it has been classified as a Variant of Uncertain Significance.

NM_001199138.2(NLRC4):c.1664T>C (p.Val555Ala)

Gene: NLRC4 (NLR family CARD domain containing 4; minus strand). Cytogenetic location: 2p22.3.
Variant type: single nucleotide variant.
Coding change: c.1664T>C on transcript NM_001199138.2 (MANE Select); coding-DNA position 1664, T replaced by C.
Protein change: p.Val555Ala; replaces valine 555 with alanine.
Molecular consequence: missense variant. On other transcripts: intron variant (1).
Genome position (GRCh38, 1-based): chr2:32,250,200, A>G on the plus strand (T>C on the coding strand, the complement: NLRC4 is on the minus strand). VCF-style: chr2-32250200-A-G. GRCh37 (hg19) VCF-style: chr2-32475269-A-G.
Other names: c.1664T>C, p.Val555Ala (NM_001199139.2, NM_021209.5); c.262+2219T>C (NM_001302504.1); short protein forms V555A.
Identifiers: ClinVar variation 2089975 (VCV002089975.4), dbSNP rs2148942030, ClinGen allele CA346511978.